The following is an entry in ClinVar:

ClinVar aggregate classification (germline): Likely benign. Review status: criteria provided, multiple submitters, no conflicts (2 of 4 stars). 3 submissions from 3 submitters: Likely benign (3). Last evaluated 2026-01-12.

Conditions:
Autosomal recessive mendelian susceptibility to mycobacterial diseases due to complete RORgamma receptor deficiency. Also called: Immunodeficiency 42. Identifiers: Orphanet 477857, MedGen C5567647, MONDO:0014710, OMIM 616622.

Allele frequency attached by ClinVar (database versions not stated): gnomAD exomes 0.00004; ExAC 0.00006; TOPMed 0.00015; 1000 Genomes Project 30x 0.00016; 1000 Genomes Project 0.00020; ESP Exome Variant Server 0.00031.
gnomAD v4.1: 39 of 1,614,228 alleles (0.0024%); highest among the groups gnomAD compares: African/African-American, 0.037%; no homozygotes.

Submissions (3):

Labcorp Genetics (formerly Invitae), Labcorp
Classification: Likely benign for Autosomal recessive mendelian susceptibility to mycobacterial diseases due to complete RORgamma receptor deficiency. Last evaluated: 2026-01-12. Review status: criteria provided, single submitter. Criteria: Invitae Variant Classification Sherloc (09022015). Collection method: clinical testing. Allele origin: germline.

Blueprint Genetics
Classification: Likely benign. Last evaluated: 2024-11-04. Review status: criteria provided, single submitter. Criteria: ACMG Guidelines, 2015. Collection method: clinical testing. Allele origin: germline.

CeGaT Center for Human Genetics Tuebingen
Classification: Likely benign. Last evaluated: 2022-03-01. Review status: criteria provided, single submitter. Criteria: CeGaT Center For Human Genetics Tuebingen Variant Classification Criteria Version 2. Collection method: clinical testing. Allele origin: germline. Affected: yes. Observed: 1 variant allele.
Comment: RORC: BP4

NM_005060.4(RORC):c.711G>A (p.Arg237=)

Gene: RORC (RAR related orphan receptor C; minus strand). Cytogenetic location: 1q21.3.
Variant type: single nucleotide variant.
Coding change: c.711G>A on transcript NM_005060.4 (MANE Select); coding-DNA position 711, G replaced by A.
Protein change: p.Arg237=; no amino-acid change (arginine 237 retained).
Molecular consequence: synonymous variant.
Genome position (GRCh38, 1-based): chr1:151,815,013, C>T on the plus strand (G>A on the coding strand, the complement: RORC is on the minus strand). VCF-style: chr1-151815013-C-T. GRCh37 (hg19) VCF-style: chr1-151787489-C-T.
Other names: c.648G>A, p.Arg216= (NM_001001523.2).
Identifiers: ClinVar variation 1536320 (VCV001536320.39), dbSNP rs144219320, ClinGen allele CA1095870.
Genomic context (GRCh38, chr1:151,815,013, plus strand): 5'-GCGGAAACTGGGGCTGCCGTAGCTGTCTGGGCCCTGTCCCAGTTCCCCAAGCCCAGGATG[C>T]CTGTGTTCCTCAAAACGAAGTCCACATCGGTCAGGGGTCAGCTGGCTGCCTGTGCTATAG-3'
Protein context (NP_005051.2, residues 227-247): DRCGLRFEEH[Arg237=]HPGLGELGQG